The following is an entry in ClinVar:

NM_001164508.2(NEB):c.6075+1G>A

Gene: NEB (nebulin; minus strand). Cytogenetic location: 2q23.3.
Variant type: single nucleotide variant.
Coding change: c.6075+1G>A on transcript NM_001164508.2 (MANE Select); the canonical splice donor site of the intron after coding-DNA position 6075, G replaced by A.
Molecular consequence: splice donor variant.
Genome position (GRCh38, 1-based): chr2:151,659,064, C>T on the plus strand (G>A on the coding strand, the complement: NEB is on the minus strand). VCF-style: chr2-151659064-C-T. GRCh37 (hg19) VCF-style: chr2-152515578-C-T.
Other names: c.6075+1G>A (NM_004543.5, NM_001164507.2, NM_001271208.2).
Identifiers: ClinVar variation 552040 (VCV000552040.3), dbSNP rs1553472127, ClinGen allele CA348802699.

ClinVar aggregate classification (germline): Pathogenic. Review status: criteria provided, single submitter (1 of 4 stars). 2 submissions from 2 submitters: Pathogenic (1). 1 of the submissions does not count toward it. Last evaluated 2024-11-25.

Conditions:
Nemaline myopathy 2 (NEM2). Also called: Nemaline myopathy 2, autosomal recessive. Identifiers: MedGen C1850569, MONDO:0009725, OMIM 256030.

Submissions (2):

3billion
Classification: Pathogenic for Nemaline myopathy 2. Last evaluated: 2024-11-25. Review status: criteria provided, single submitter. Criteria: ACMG Guidelines, 2015. Collection method: clinical testing. Allele origin: germline. Affected: yes.
Comment: The variant is not observed in the gnomAD v4.1.0 dataset. Predicted Consequence/Location: Canonical splice site: predicted to alter splicing and result in a loss or disruption of normal protein function. Multiple pathogenic loss-of-function variants are reported downstream of the variant. The variant has been reported to be associated with NEB related disorder (ClinVar ID: VCV000552040). Therefore, this variant is classified as Pathogenic according to the recommendation of ACMG/AMP guideline.

Counsyl
Classification: Likely pathogenic for Nemaline myopathy 2. Last evaluated: 2017-05-19. Review status: no assertion criteria provided. Collection method: clinical testing. Allele origin: unknown. Not counted in ClinVar's aggregate classification.